The following is an entry in ClinVar:

ClinVar aggregate classification (germline): Uncertain significance (1 of 4 stars; one submission).

Submission:

GeneDx
Classification: Uncertain significance. Last evaluated: 2023-03-29. Review status: criteria provided, single submitter. Criteria: GeneDx Variant Classification Process June 2021. Collection method: clinical testing. Allele origin: germline. Affected: yes.
Comment: Has not been previously published as pathogenic or benign to our knowledge; Not observed at significant frequency in large population cohorts (gnomAD); In silico analysis supports that this missense variant has a deleterious effect on protein structure/function

NM_032578.4(MYPN):c.1142C>T (p.Pro381Leu)

Gene: MYPN (myopalladin; plus strand). Cytogenetic location: 10q21.3.
Variant type: single nucleotide variant.
Coding change: c.1142C>T on transcript NM_032578.4 (MANE Select); coding-DNA position 1142, C replaced by T.
Protein change: p.Pro381Leu; replaces proline 381 with leucine.
Molecular consequence: missense variant. On other transcripts: non-coding transcript variant (2).
Genome position (GRCh38, 1-based): chr10:68,148,364, C>T. VCF-style: chr10-68148364-C-T. GRCh37 (hg19) VCF-style: chr10-69908121-C-T.
Other names: c.1142C>T, p.Pro381Leu (NM_001256267.2); c.260C>T, p.Pro87Leu (NM_001256268.2); short protein forms P381L, P87L.
Identifiers: ClinVar variation 2582183 (VCV002582183.1), dbSNP rs2495607443, ClinGen allele CA376831691.